The following is an entry in ClinVar:

ClinVar aggregate classification (germline): Uncertain significance. Review status: criteria provided, multiple submitters, no conflicts (2 of 4 stars). 2 submissions from 2 submitters: Uncertain significance (2). Last evaluated 2025-10-21.

Conditions:
ITK-related disorder. Also called: ITK-related condition.
Lymphoproliferative syndrome 1 (LPFS1). Identifiers: Orphanet 238505, Orphanet 538963, MedGen C3552634, MONDO:0013081, OMIM 613011.

Allele frequency attached by ClinVar (database versions not stated): gnomAD exomes 0.00001 and 0.00002; ExAC 0.00002; gnomAD 0.00002 and 0.00003; TOPMed 0.00002; ESP Exome Variant Server 0.00008.
gnomAD v4.1: 17 of 1,609,830 alleles (0.0011%); highest among the groups gnomAD compares: African/African-American, 0.0027%; no homozygotes.

Submissions (2):

Labcorp Genetics (formerly Invitae), Labcorp
Classification: Uncertain significance for Lymphoproliferative syndrome 1. Last evaluated: 2025-10-21. Review status: criteria provided, single submitter. Criteria: Invitae Variant Classification Sherloc (09022015). Collection method: clinical testing. Allele origin: germline.
Comment: This sequence change disrupts the translational stop signal of the ITK mRNA. It is expected to extend the length of the ITK protein by 1 additional amino acid residues. This variant is present in population databases (rs148858888, gnomAD 0.01%). This variant has not been reported in the literature in individuals affected with ITK-related conditions. ClinVar contains an entry for this variant (Variation ID: 939402). Experimental studies and prediction algorithms are not available or were not evaluated, and the functional significance of this variant is currently unknown. In summary, the available evidence is currently insufficient to determine the role of this variant in disease. Therefore, it has been classified as a Variant of Uncertain Significance.

PreventionGenetics, part of Exact Sciences
Classification: Uncertain significance for ITK-related condition. Last evaluated: 2025-03-12. Review status: criteria provided, single submitter. Criteria: ACMG Guidelines, 2015. Collection method: clinical testing. Allele origin: germline.
Comment: The ITK c.1861T>C variant is predicted to result in extension of the open reading frame (p.*621Glnext*1). To our knowledge, this variant has not been reported in the literature. This variant is reported in 0.018% of alleles in individuals of African descent in gnomAD. This variant is expected to disrupt the canonical stop codon, but only extend the protein by one amino acid. At this time, the clinical significance of this variant is uncertain due to the absence of conclusive functional and genetic evidence.

NM_005546.4(ITK):c.1861T>C (p.Ter621Gln)

Gene: ITK (IL2 inducible T cell kinase; plus strand). Cytogenetic location: 5q33.3.
Variant type: single nucleotide variant.
Coding change: c.1861T>C on transcript NM_005546.4 (MANE Select); coding-DNA position 1861, T replaced by C.
Protein change: p.Ter621Gln.
Molecular consequence: stop lost.
Genome position (GRCh38, 1-based): chr5:157,252,676, T>C. VCF-style: chr5-157252676-T-C. GRCh37 (hg19) VCF-style: chr5-156679686-T-C.
Other names: *621Q.
Identifiers: ClinVar variation 939402 (VCV000939402.6), dbSNP rs148858888, ClinGen allele CA3533231.